The following is an entry in ClinVar:

NM_001283009.2(RTEL1):c.3344-7C>T

Genes: RTEL1 (regulator of telomere elongation helicase 1; plus strand), RTEL1-TNFRSF6B (RTEL1-TNFRSF6B readthrough (NMD candidate); plus strand). Cytogenetic location: 20q13.33.
Variant type: single nucleotide variant.
Coding change: c.3344-7C>T on transcript NM_001283009.2 (MANE Select); 7 bases into the intron before coding-DNA position 3344, C replaced by T.
Molecular consequence: intron variant.
Genome position (GRCh38, 1-based): chr20:63,695,059, C>T. VCF-style: chr20-63695059-C-T. GRCh37 (hg19) VCF-style: chr20-62326412-C-T.
Other names: c.2675-7C>T (NM_001283010.1); c.3416-7C>T (NM_032957.5); c.3344-7C>T (NM_016434.4).
Identifiers: ClinVar variation 3050715 (VCV003050715.2), dbSNP rs1016740026, ClinGen allele CA2740094683.
Genomic context (GRCh38, chr20:63,695,059, plus strand): 5'-AGCCGGTGGGGTGGGGGGCAGGGGACAAAATGGGGGCTGTGCCGGGTCTGATTGAAGCTC[C>T]CCGCAGGGTTCAGCATGTTTGTGCGTCCACACCACAAGCAGCGCTTCTCACAGACGTGCA-3'

ClinVar aggregate classification (germline): Likely benign (0 of 4 stars; one submission).

Conditions:
RTEL1-related disorder. Also called: RTEL1-related disorders; RTEL1-related condition.

Submission:

PreventionGenetics, part of Exact Sciences
Classification: Likely benign for RTEL1-related condition. Last evaluated: 2022-09-14. Review status: no assertion criteria provided. Collection method: clinical testing. Allele origin: germline.
Comment: This variant is classified as likely benign based on ACMG/AMP sequence variant interpretation guidelines (Richards et al. 2015 PMID: 25741868, with internal and published modifications).